The following is an entry in ClinVar:

NM_000231.3(SGCG):c.142G>C (p.Val48Leu)

Gene: SGCG (sarcoglycan gamma; plus strand). Cytogenetic location: 13q12.12.
Variant type: single nucleotide variant.
Coding change: c.142G>C on transcript NM_000231.3 (MANE Select); coding-DNA position 142, G replaced by C.
Protein change: p.Val48Leu; replaces valine 48 with leucine.
Molecular consequence: missense variant.
Genome position (GRCh38, 1-based): chr13:23,203,836, G>C. VCF-style: chr13-23203836-G-C. GRCh37 (hg19) VCF-style: chr13-23777975-G-C.
Other names: c.196G>C, p.Val66Leu (NM_001378244.1); c.142G>C, p.Val48Leu (NM_001378245.1, NM_001378246.1); short protein forms V48L, V66L.
Identifiers: ClinVar variation 1434948 (VCV001434948.8), dbSNP rs369936288, ClinGen allele CA6909581.

ClinVar aggregate classification (germline): Uncertain significance (1 of 4 stars; one submission).

Conditions:
Autosomal recessive limb-girdle muscular dystrophy type 2C (LGMDR5). Also called: MUSCULAR DYSTROPHY, DUCHENNE-LIKE; MUSCULAR DYSTROPHY, LIMB-GIRDLE, AUTOSOMAL RECESSIVE 5. Identifiers: Orphanet 353, MedGen C0410173, MONDO:0009677, OMIM 253700. Disease mechanism: Affects gamma-sarcoglycan and also disrupts the integrity of the entire sarcoglycan complex..

gnomAD v4.1: 2 of 1,614,000 alleles (0.00012%); highest among the groups gnomAD compares: Middle Eastern, 0.033%; no homozygotes.

Submission:

Labcorp Genetics (formerly Invitae), Labcorp
Classification: Uncertain significance for Autosomal recessive limb-girdle muscular dystrophy type 2C. Last evaluated: 2022-08-09. Review status: criteria provided, single submitter. Criteria: Invitae Variant Classification Sherloc (09022015). Collection method: clinical testing. Allele origin: germline.
Comment: This sequence change replaces valine, which is neutral and non-polar, with leucine, which is neutral and non-polar, at codon 48 of the SGCG protein (p.Val48Leu). This variant is present in population databases (rs369936288, gnomAD 0.0009%). This variant has not been reported in the literature in individuals affected with SGCG-related conditions. ClinVar contains an entry for this variant (Variation ID: 1434948). Algorithms developed to predict the effect of missense changes on protein structure and function output the following: SIFT: "Tolerated"; PolyPhen-2: "Benign"; Align-GVGD: "Class C0". The leucine amino acid residue is found in multiple mammalian species, which suggests that this missense change does not adversely affect protein function. In summary, the available evidence is currently insufficient to determine the role of this variant in disease. Therefore, it has been classified as a Variant of Uncertain Significance.